The following is an entry in ClinVar:

NM_014208.3(DSPP):c.1282_1283del (p.Gln428fs)

Genes: DMP1-AS1 (DMP1 and DSPP antisense RNA 1; minus strand), DSPP (dentin sialophosphoprotein; plus strand). Cytogenetic location: 4q22.1.
Variant type: Deletion.
Coding change: c.1282_1283del on transcript NM_014208.3 (MANE Select); coding-DNA positions 1282 to 1283, 2 bases deleted (CA; older notation c.1282_1283delCA).
Protein change: p.Gln428fs; shifts the reading frame from glutamine 428.
Molecular consequence: frameshift variant.
Genome position (GRCh38, 1-based): chr4:87,613,944-87,613,945, CA deleted. VCF-style (leftmost placement, unchanged base first): chr4-87613943-CCA-C. GRCh37 (hg19) VCF-style: chr4-88535095-CCA-C.
Other names: c.1282_1283delCA (NM_014208.3); short protein forms Q428fs.
Identifiers: ClinVar variation 2439934 (VCV002439934.4), dbSNP rs867583888, ClinGen allele CA100850808.

ClinVar aggregate classification (germline): Likely pathogenic. Review status: criteria provided, multiple submitters, no conflicts (2 of 4 stars). 2 submissions from 2 submitters: Likely pathogenic (2). Last evaluated 2026-06-22.

Conditions:
DSPP-related disorder. Also called: DSPP-related condition.

Allele frequency attached by ClinVar (database versions not stated): TOPMed 0.00001; ESP Exome Variant Server 0.00026.

Submissions (2):

PreventionGenetics, part of Exact Sciences
Classification: Likely pathogenic for DSPP-related condition. Last evaluated: 2026-06-22. Review status: criteria provided, single submitter. Criteria: ACMG Guidelines, 2015. Collection method: clinical testing. Allele origin: germline.
Comment: The DSPP c.1282_1283delCA variant is predicted to result in a frameshift and premature protein termination (p.Gln428Lysfs*7). To our knowledge, this variant has not been reported in the literature or in a large population database (gnomAD), indicating this variant is rare and is interpreted as likely pathogenic in ClinVar (Variation ID: 2439934). Furthermore, this variant resides in the last exon of the DSPP gene where similar frameshift variants have been reported as pathogenic for dentinogenesis imperfecta (see, for example, McKnight et al. 2008. PubMed ID: 18521831; Simmer et al. 2022. PubMed ID: 35627243). Frameshift variants in DSPP are expected to be pathogenic. This variant is interpreted as likely pathogenic.

Revvity Omics, Revvity
Classification: Likely pathogenic. Last evaluated: 2021-12-06. Review status: criteria provided, single submitter. Criteria: ACMG Guidelines, 2015. Collection method: clinical testing. Allele origin: germline.